The following is an entry in ClinVar:

ClinVar aggregate classification (germline): Uncertain significance (1 of 4 stars; one submission).

Conditions:
Deafness-lymphedema-leukemia syndrome. Also called: Lymphedema, primary, with myelodysplasia; Emberger syndrome. Identifiers: Orphanet 3226, MedGen C3279664, MONDO:0013540, OMIM 614038.
Monocytopenia with susceptibility to infections. Also called: COMBINED IMMUNODEFICIENCY WITH SUSCEPTIBILITY TO MYCOBACTERIAL, VIRAL, AND FUNGAL INFECTIONS; MONOCYTOPENIA AND MYCOBACTERIAL INFECTION SYNDROME; MONOCYTOPENIA WITH SUSCEPTIBILITY TO MYCOBACTERIAL, FUNGAL, AND PAPILLOMAVIRUS INFECTIONS AND MYELODYSPLASIA; Dendritic cell, monocyte, B lymphocyte, and natural killer lymphocyte deficiency; GATA2 DEFICIENCY; IMMUNODEFICIENCY 21. Identifiers: Orphanet 228423, MedGen C3280030, MONDO:0013607, OMIM 614172.

Submission:

Labcorp Genetics (formerly Invitae), Labcorp
Classification: Uncertain significance for Monocytopenia with susceptibility to infections; Deafness-lymphedema-leukemia syndrome. Last evaluated: 2023-09-10. Review status: criteria provided, single submitter. Criteria: Invitae Variant Classification Sherloc (09022015). Collection method: clinical testing. Allele origin: germline.
Comment: This sequence change replaces lysine, which is basic and polar, with isoleucine, which is neutral and non-polar, at codon 179 of the GATA2 protein (p.Lys179Ile). This variant is not present in population databases (gnomAD no frequency). ClinVar contains an entry for this variant (Variation ID: 1918660). Advanced modeling of protein sequence and biophysical properties (such as structural, functional, and spatial information, amino acid conservation, physicochemical variation, residue mobility, and thermodynamic stability) has been performed at Invitae for this missense variant, however the output from this modeling did not meet the statistical confidence thresholds required to predict the impact of this variant on GATA2 protein function. In summary, the available evidence is currently insufficient to determine the role of this variant in disease. Therefore, it has been classified as a Variant of Uncertain Significance. This variant has not been reported in the literature in individuals affected with GATA2-related conditions.

NM_032638.5(GATA2):c.536A>T (p.Lys179Ile)

Gene: GATA2 (GATA binding protein 2; minus strand). Cytogenetic location: 3q21.3.
Variant type: single nucleotide variant.
Coding change: c.536A>T on transcript NM_032638.5 (MANE Select); coding-DNA position 536, A replaced by T.
Protein change: p.Lys179Ile; replaces lysine 179 with isoleucine.
Molecular consequence: missense variant.
Genome position (GRCh38, 1-based): chr3:128,486,062, T>A on the plus strand (A>T on the coding strand, the complement: GATA2 is on the minus strand). VCF-style: chr3-128486062-T-A. GRCh37 (hg19) VCF-style: chr3-128204905-T-A.
Other names: c.536A>T, p.Lys179Ile (NM_001145661.2, NM_001145662.1); short protein forms K179I.
Identifiers: ClinVar variation 1918660 (VCV001918660.5), dbSNP rs751678435, ClinGen allele CA354406565.